The following is an entry in ClinVar:

NM_015426.5(POC1A):c.19-8T>G

Gene: POC1A (POC1 centriolar protein A; minus strand). Cytogenetic location: 3p21.2.
Variant type: single nucleotide variant.
Coding change: c.19-8T>G on transcript NM_015426.5 (MANE Select); 8 bases into the intron before coding-DNA position 19, T replaced by G.
Molecular consequence: intron variant. On other transcripts: 5 prime UTR variant (1).
Genome position (GRCh38, 1-based): chr3:52,151,108, A>C on the plus strand (T>G on the coding strand, the complement: POC1A is on the minus strand). VCF-style: chr3-52151108-A-C. GRCh37 (hg19) VCF-style: chr3-52185124-A-C.
Other names: c.-104T>G (NM_001161581.2); c.19-8T>G (NM_001161580.2).
Identifiers: ClinVar variation 2018526 (VCV002018526.4), dbSNP rs2470918761, ClinGen allele CA2580070145.

ClinVar aggregate classification (germline): Uncertain significance (1 of 4 stars; one submission).

Allele frequency attached by ClinVar (database versions not stated): gnomAD exomes below 0.00001.
gnomAD v4.1: 1 of 1,613,476 alleles (0.000062%); highest among the groups gnomAD compares: Non-Finnish European, 0.000085%; no homozygotes.

Submission:

Labcorp Genetics (formerly Invitae), Labcorp
Classification: Uncertain significance. Last evaluated: 2022-08-02. Review status: criteria provided, single submitter. Criteria: Invitae Variant Classification Sherloc (09022015). Collection method: clinical testing. Allele origin: germline.
Comment: This sequence change falls in intron 1 of the POC1A gene. It does not directly change the encoded amino acid sequence of the POC1A protein. This variant is not present in population databases (gnomAD no frequency). This variant has not been reported in the literature in individuals affected with POC1A-related conditions. Algorithms developed to predict the effect of sequence changes on RNA splicing suggest that this variant may disrupt the consensus splice site. In summary, the available evidence is currently insufficient to determine the role of this variant in disease. Therefore, it has been classified as a Variant of Uncertain Significance.